The following is an entry in ClinVar:

ClinVar aggregate classification (germline): Pathogenic. Review status: criteria provided, multiple submitters, no conflicts (2 of 4 stars). 2 submissions from 2 submitters: Pathogenic (2). Last evaluated 2024-08-01.

Conditions:
Hereditary cancer-predisposing syndrome. Also called: Hereditary Cancer Syndrome; Neoplastic Syndromes, Hereditary; Tumor predisposition; Hereditary neoplastic syndrome. Identifiers: Orphanet 140162, MedGen C0027672, MeSH D009386, MONDO:0015356.
Lynch syndrome 4 (LYNCH4). Also called: Colorectal cancer, hereditary nonpolyposis, type 4; Hereditary non-polyposis colorectal cancer, type 4. Identifiers: Orphanet 144, MedGen C1838333, MONDO:0013699, OMIM 614337. Disease mechanism: loss of function.

Submissions (2):

Ambry Genetics
Classification: Pathogenic for Hereditary cancer-predisposing syndrome. Last evaluated: 2024-08-01. Review status: criteria provided, single submitter. Criteria: Ambry Variant Classification Scheme 2023. Collection method: clinical testing. Allele origin: germline.
Comment: The c.512delA pathogenic mutation, located in coding exon 5 of the PMS2 gene, results from a deletion of one nucleotide at nucleotide position 512, causing a translational frameshift with a predicted alternate stop codon. This variant has been identified in a proband whose Lynch syndrome-associated tumor demonstrated loss of PMS2 expression by immunohistochemistry (Li S et al. J. Med. Genet. 2020 Jan;57:62-69; Ambry internal data). This alteration is expected to result in loss of function by premature protein truncation or nonsense-mediated mRNA decay. As such, this alteration is interpreted as a disease-causing mutation.

Myriad Genetics, Inc.
Classification: Pathogenic for Lynch syndrome 4. Last evaluated: 2023-09-19. Review status: criteria provided, single submitter. Criteria: Myriad Autosomal Dominant, Autosomal Recessive and X-Linked Classification Criteria (2023). Collection method: clinical testing. Allele origin: unknown.
Comment: This variant is considered pathogenic. This variant creates a frameshift predicted to result in premature protein truncation.

NM_000535.7(PMS2):c.512del (p.Lys171fs)

Gene: PMS2 (PMS1 homolog 2, mismatch repair system component; minus strand). Cytogenetic location: 7p22.1.
Variant type: Deletion.
Coding change: c.512del on transcript NM_000535.7 (MANE Select); coding-DNA position 512, one base deleted (A; older notation c.512delA).
Protein change: p.Lys171fs; shifts the reading frame from lysine 171.
Molecular consequence: frameshift variant. On other transcripts: 5 prime UTR variant (2), non-coding transcript variant (1).
Genome position (GRCh38, 1-based): chr7:6,002,478, T deleted on the plus strand (A on the coding strand, the reverse complement: PMS2 is on the minus strand); the first of 2 consecutive T bases (chr7:6,002,478-6,002,479); deleting either gives the same sequence. VCF-style (leftmost placement, unchanged base first): chr7-6002477-CT-C. GRCh37 (hg19) VCF-style: chr7-6042108-CT-C.
Other names: c.106delA, p.Lys36Argfs (NM_001018040.1, NM_001406887.1, NM_001406888.1 and 19 more transcripts); c.107del, p.Lys36fs (NM_001322003.2, NM_001322004.2, NM_001322005.2 and 3 more transcripts); c.512del, p.Lys171fs (NM_001322006.2, NM_001322014.2); c.194del, p.Lys65fs (NM_001322007.2, NM_001322008.2); c.-373del (NM_001322011.2, NM_001322012.2); c.203del, p.Lys68fs (NM_001322015.2); c.697delA, p.Lys233Argfs (NM_001406866.1); c.535delA, p.Lys179Argfs (NM_001406868.1); and 4 more; short protein forms K36fs, K68fs, K171fs, K65fs.
Identifiers: ClinVar variation 1745534 (VCV001745534.4), dbSNP rs2536434515, ClinGen allele CA2580076799.